The following is an entry in ClinVar:

NM_001082486.2(ACD):c.1310A>G (p.Gln437Arg)

Gene: ACD (ACD shelterin complex subunit and telomerase recruitment factor; minus strand). Cytogenetic location: 16q22.1.
Variant type: single nucleotide variant.
Coding change: c.1310A>G on transcript NM_001082486.2 (MANE Select); coding-DNA position 1310, A replaced by G.
Protein change: p.Gln437Arg; replaces glutamine 437 with arginine.
Molecular consequence: missense variant.
Genome position (GRCh38, 1-based): chr16:67,657,673, T>C on the plus strand (A>G on the coding strand, the complement: ACD is on the minus strand). VCF-style: chr16-67657673-T-C. GRCh37 (hg19) VCF-style: chr16-67691576-T-C.
Other names: c.1223A>G, p.Gln408Arg (NM_001410884.1); c.1301A>G, p.Gln434Arg (NM_022914.3); short protein forms Q408R, Q434R, Q437R.
Identifiers: ClinVar variation 2452457 (VCV002452457.2), dbSNP rs1367801477, ClinGen allele CA396349718.

ClinVar aggregate classification (germline): Uncertain significance (1 of 4 stars; one submission).

Conditions:
Inborn genetic diseases. Identifiers: MedGen C0950123, MeSH D030342.

Allele frequency attached by ClinVar (database versions not stated): gnomAD exomes below 0.00001.
gnomAD v4.1: 1 of 1,614,128 alleles (0.000062%); highest among the groups gnomAD compares: South Asian, 0.0011%; no homozygotes.

Submission:

Ambry Genetics
Classification: Uncertain significance for Inborn genetic diseases. Last evaluated: 2023-02-27. Review status: criteria provided, single submitter. Criteria: Ambry Variant Classification Scheme 2023. Collection method: clinical testing. Allele origin: germline.
Comment: The p.Q523R variant (also known as c.1568A>G), located in coding exon 12 of the ACD gene, results from an A to G substitution at nucleotide position 1568. The glutamine at codon 523 is replaced by arginine, an amino acid with highly similar properties. This amino acid position is conserved. In addition, this alteration is predicted to be tolerated by in silico analysis. Since supporting evidence is limited at this time, the clinical significance of this alteration remains unclear.